The following is an entry in ClinVar:

NM_018896.5(CACNA1G):c.4735G>A (p.Gly1579Ser)

Gene: CACNA1G (calcium voltage-gated channel subunit alpha1 G; plus strand). Cytogenetic location: 17q21.33.
Variant type: single nucleotide variant.
Coding change: c.4735G>A on transcript NM_018896.5 (MANE Select); coding-DNA position 4735, G replaced by A.
Protein change: p.Gly1579Ser; replaces glycine 1579 with serine.
Molecular consequence: missense variant. On other transcripts: non-coding transcript variant (2), intron variant (17).
Genome position (GRCh38, 1-based): chr17:50,609,911, G>A. VCF-style: chr17-50609911-G-A. GRCh37 (hg19) VCF-style: chr17-48687272-G-A.
Other names: c.4735G>A, p.Gly1579Ser (NM_198385.3, NM_001256327.2, NM_001256333.2 and 1 more transcripts); c.4726+1871G>A (NM_198377.3, NM_198380.3, NM_198378.3 and 1 more transcripts); c.4705+1892G>A (NM_001256324.2, NM_198386.3, NM_001256328.2); c.4651+1871G>A (NM_001256360.2); c.4645+1871G>A (NM_001256361.2); c.4624+1871G>A (NM_001256326.2, NM_001256330.2); c.4603+1892G>A (NM_001256331.2); c.4657+1871G>A (NM_198396.3, NM_198379.3, NM_198387.3 and 1 more transcripts); and 7 more; short protein forms G1522S, G1545S, G1552S, G1556S, G1579S, G1586S.
Identifiers: ClinVar variation 2691372 (VCV002691372.2), dbSNP rs775456459, ClinGen allele CA8653154.
Genomic context (GRCh38, chr17:50,609,911, plus strand): 5'-CAGTGACCAATGTCGTGTTTCGTTCTTTTAGATCTAATGCTGGACGATGTAATTGCTTCC[G>A]GCAGCTCAGCCAGCGCTGCGTCAGGTACTGCGTCTGGGGTGTGGGCTCATGCGTGTGGGG-3'
Protein context (NP_061496.2, residues 1569-1589): NLMLDDVIAS[Gly1579Ser]SSASAASEAQ

ClinVar aggregate classification (germline): Uncertain significance. Review status: criteria provided, multiple submitters, no conflicts (2 of 4 stars). 2 submissions from 2 submitters: Uncertain significance (2). Last evaluated 2025-10-24.

Conditions:
Inborn genetic diseases. Identifiers: MedGen C0950123, MeSH D030342.

Allele frequency attached by ClinVar (database versions not stated): TOPMed 0.00001; gnomAD 0.00001; ExAC 0.00002.
gnomAD v4.1: 25 of 1,611,230 alleles (0.0016%); highest among the groups gnomAD compares: Non-Finnish European, 0.0016%; no homozygotes.

Submissions (2):

Ambry Genetics
Classification: Uncertain significance for Inborn genetic diseases. Last evaluated: 2025-10-24. Review status: criteria provided, single submitter. Criteria: Ambry Variant Classification Scheme 2023. Collection method: clinical testing. Allele origin: germline.

Women's Health and Genetics/Laboratory Corporation of America, LabCorp
Classification: Uncertain significance. Last evaluated: 2023-12-21. Review status: criteria provided, single submitter. Criteria: LabCorp Variant Classification Summary - May 2015. Collection method: clinical testing. Allele origin: germline.
Comment: Variant summary: CACNA1G c.4735G>A (p.Gly1579Ser) results in a non-conservative amino acid change in the encoded protein sequence. Three of five in-silico tools predict a damaging effect of the variant on protein function. The variant allele was found at a frequency of 1.6e-05 in 1,604,236 control chromosomes (i.e. in 25 carriers) in the gnomAD database (v4.0 dataset). The significant number of carriers makes it unlikely that the variant is associated with an early onset severe phenotype but might not rule out later onset milder phenotypes. To our knowledge, no occurrence of c.4735G>A in individuals affected with Spinocerebellar Ataxia Type 42 and no experimental evidence demonstrating its impact on protein function have been reported. No submitters have cited clinical-significance assessments for this variant to ClinVar after 2014. Based on the evidence outlined above, the variant was classified as uncertain significance.